The following is an entry in ClinVar:

ClinVar aggregate classification (germline): Uncertain significance (1 of 4 stars; one submission).

Conditions:
Familial thoracic aortic aneurysm and aortic dissection (TAAD). Also called: Thoracic aortic aneurysms and dissections. Identifiers: Orphanet 91387, MedGen C4707243, MONDO:0019625.

Submission:

Ambry Genetics
Classification: Uncertain significance for Familial thoracic aortic aneurysm and aortic dissection. Last evaluated: 2019-02-27. Review status: criteria provided, single submitter. Criteria: Ambry Variant Classification Scheme 2023. Collection method: clinical testing. Allele origin: germline.
Comment: The p.P851S variant (also known as c.2551C>T), located in coding exon 30 of the COL5A1 gene, results from a C to T substitution at nucleotide position 2551. The proline at codon 851 is replaced by serine, an amino acid with similar properties. This amino acid position is well conserved in available vertebrate species. In addition, the in silico prediction for this alteration is inconclusive. Since supporting evidence is limited at this time, the clinical significance of this alteration remains unclear.

NM_000093.5(COL5A1):c.2551C>T (p.Pro851Ser)

Gene: COL5A1 (collagen type V alpha 1 chain; plus strand). Cytogenetic location: 9q34.3.
Variant type: single nucleotide variant.
Coding change: c.2551C>T on transcript NM_000093.5 (MANE Select); coding-DNA position 2551, C replaced by T.
Protein change: p.Pro851Ser; replaces proline 851 with serine.
Molecular consequence: missense variant.
Genome position (GRCh38, 1-based): chr9:134,785,055, C>T. VCF-style: chr9-134785055-C-T. GRCh37 (hg19) VCF-style: chr9-137676901-C-T.
Other names: c.2551C>T, p.Pro851Ser (NM_001278074.1); short protein forms P851S.
Identifiers: ClinVar variation 1792958 (VCV001792958.2), dbSNP rs2490724289, ClinGen allele CA375454436.